The following is an entry in ClinVar:

ClinVar aggregate classification (germline): Likely benign. Review status: criteria provided, multiple submitters, no conflicts (2 of 4 stars). 4 submissions from 3 submitters: Likely benign (4). Last evaluated 2022-03-15.

Conditions:
Autosomal dominant nocturnal frontal lobe epilepsy 5. Also called: Epilepsy, nocturnal frontal lobe, 5; KCNT1-Related Epilepsy; CILIARY DYSKINESIA, PRIMARY, 28, WITHOUT SITUS INVERSUS; CILIARY DYSKINESIA, PRIMARY, 28, WITH SITUS INVERSUS. Identifiers: Orphanet 98784, MedGen C3554306, MONDO:0014002, OMIM 615005.
Developmental and epileptic encephalopathy, 14 (DEE14). Also called: Early infantile epileptic encephalopathy 14. Identifiers: Orphanet 293181, MedGen C3554195, MONDO:0013989, OMIM 614959.

gnomAD v4.1: 3 of 1,547,290 alleles (0.00019%); highest among the groups gnomAD compares: Non-Finnish European, 0.00026%; no homozygotes.

Submissions (4):

Genome-Nilou Lab
Classification: Likely benign for Developmental and epileptic encephalopathy, 14. Last evaluated: 2022-03-15. Review status: criteria provided, single submitter. Criteria: ACMG Guidelines, 2015. Collection method: clinical testing. Allele origin: germline. Affected: no.

Genome-Nilou Lab
Classification: Likely benign for Autosomal dominant nocturnal frontal lobe epilepsy 5. Last evaluated: 2022-03-15. Review status: criteria provided, single submitter. Criteria: ACMG Guidelines, 2015. Collection method: clinical testing. Allele origin: germline. Affected: no.

Labcorp Genetics (formerly Invitae), Labcorp
Classification: Likely benign for Autosomal dominant nocturnal frontal lobe epilepsy 5; Developmental and epileptic encephalopathy, 14. Last evaluated: 2020-06-03. Review status: criteria provided, single submitter. Criteria: Invitae Variant Classification Sherloc (09022015). Collection method: clinical testing. Allele origin: germline.

GeneDx
Classification: Likely benign. Last evaluated: 2018-04-05. Review status: criteria provided, single submitter. Criteria: GeneDx Variant Classification (06012015). Collection method: clinical testing. Allele origin: germline. Affected: yes.
Comment: This variant is considered likely benign or benign based on one or more of the following criteria: it is a conservative change, it occurs at a poorly conserved position in the protein, it is predicted to be benign by multiple in silico algorithms, and/or has population frequency not consistent with disease.

NM_020822.3(KCNT1):c.2146C>T (p.Leu716=)

Gene: KCNT1 (potassium sodium-activated channel subfamily T member 1; plus strand). Cytogenetic location: 9q34.3.
Variant type: single nucleotide variant.
Coding change: c.2146C>T on transcript NM_020822.3 (MANE Select); coding-DNA position 2146, C replaced by T.
Protein change: p.Leu716=; no amino-acid change (leucine 716 retained).
Molecular consequence: synonymous variant.
Genome position (GRCh38, 1-based): chr9:135,772,852, C>T. VCF-style: chr9-135772852-C-T. GRCh37 (hg19) VCF-style: chr9-138664698-C-T.
Other names: c.2011C>T, p.Leu671= (NM_001272003.2).
Identifiers: ClinVar variation 681687 (VCV000681687.11), dbSNP rs752522838, ClinGen allele CA467820810.